The following is an entry in ClinVar:

ClinVar aggregate classification (germline): Benign/Likely benign. Review status: criteria provided, multiple submitters, no conflicts (2 of 4 stars). 4 submissions from 4 submitters: Benign (1); Likely benign (2). 1 of the submissions does not count toward it. Last evaluated 2026-01-19.

Allele frequency attached by ClinVar (database versions not stated): ESP Exome Variant Server 0.00031; TOPMed 0.00045; gnomAD 0.00048; 1000 Genomes Project 0.00080; ExAC 0.00108; 1000 Genomes Project 30x 0.00109.
gnomAD v4.1: 944 of 1,613,130 alleles (0.059%); highest among the groups gnomAD compares: Middle Eastern, 0.25%; 3 homozygotes.

Submissions (4):

Labcorp Genetics (formerly Invitae), Labcorp
Classification: Benign. Last evaluated: 2026-01-19. Review status: criteria provided, single submitter. Criteria: Invitae Variant Classification Sherloc (09022015). Collection method: clinical testing. Allele origin: germline.

Blueprint Genetics
Classification: Likely benign. Last evaluated: 2024-11-21. Review status: criteria provided, single submitter. Criteria: ACMG Guidelines, 2015. Collection method: clinical testing. Allele origin: germline.

CeGaT Center for Human Genetics Tuebingen
Classification: Likely benign. Last evaluated: 2023-12-01. Review status: criteria provided, single submitter. Criteria: CeGaT Center For Human Genetics Tuebingen Variant Classification Criteria Version 2. Collection method: clinical testing. Allele origin: germline. Affected: yes. Observed: 2 variant alleles.
Comment: TUBGCP6: BP4, BP7

Genetic Services Laboratory, University of Chicago
Classification: Likely benign. Last evaluated: 2022-12-02. Review status: no assertion criteria provided. Collection method: clinical testing. Allele origin: germline. Affected: no. Not counted in ClinVar's aggregate classification.

NM_020461.4(TUBGCP6):c.5052C>T (p.Ile1684=)

Gene: TUBGCP6 (tubulin gamma complex component 6; minus strand). Cytogenetic location: 22q13.33.
Variant type: single nucleotide variant.
Coding change: c.5052C>T on transcript NM_020461.4 (MANE Select); coding-DNA position 5052, C replaced by T.
Protein change: p.Ile1684=; no amino-acid change (isoleucine 1684 retained).
Molecular consequence: synonymous variant.
Genome position (GRCh38, 1-based): chr22:50,218,305, G>A on the plus strand (C>T on the coding strand, the complement: TUBGCP6 is on the minus strand). VCF-style: chr22-50218305-G-A. GRCh37 (hg19) VCF-style: chr22-50656734-G-A.
Identifiers: ClinVar variation 722045 (VCV000722045.37), dbSNP rs139368772, ClinGen allele CA10307198.